The following is an entry in ClinVar:

NM_007194.4(CHEK2):c.429C>A (p.His143Gln)

Gene: CHEK2 (checkpoint kinase 2; minus strand). Cytogenetic location: 22q12.1.
Variant type: single nucleotide variant.
Coding change: c.429C>A on transcript NM_007194.4 (MANE Select); coding-DNA position 429, C replaced by A.
Protein change: p.His143Gln; replaces histidine 143 with glutamine.
Molecular consequence: missense variant.
Genome position (GRCh38, 1-based): chr22:28,725,258, G>T on the plus strand (C>A on the coding strand, the complement: CHEK2 is on the minus strand). VCF-style: chr22-28725258-G-T. GRCh37 (hg19) VCF-style: chr22-29121246-G-T.
Other names: c.558C>A, p.His186Gln (NM_001005735.3); c.-349C>A (NM_001257387.3); c.429C>A, p.His143Gln (NM_001349956.3, NM_145862.3); short protein forms H186Q, H143Q.
Identifiers: ClinVar variation 849587 (VCV000849587.14), dbSNP rs1555927151, ClinGen allele CA411107913.
Genomic context (GRCh38, chr22:28,725,258, plus strand): 5'-ACCAAATTACCAGCTCTCCTAGATACATGGGTATTCATTACCTACCCTGAAAATCCGAAA[G>T]TGTTTCTTGCTGTATGTTCGGTATTTATCTGTTCTTTTCAGCAGTGGTTCATCAAAGCAA-3'
Protein context (NP_009125.1, residues 133-153): TDKYRTYSKK[His143Gln]FRIFREVGPK

ClinVar aggregate classification (germline): Uncertain significance. Review status: criteria provided, multiple submitters, no conflicts (2 of 4 stars). 2 submissions from 2 submitters: Uncertain significance (2). Last evaluated 2024-11-25.

Conditions:
Hereditary cancer-predisposing syndrome. Also called: Tumor predisposition; Neoplastic Syndromes, Hereditary; Hereditary neoplastic syndrome; Hereditary Cancer Syndrome. Identifiers: Orphanet 140162, MedGen C0027672, MeSH D009386, MONDO:0015356.
Familial cancer of breast. Also called: BREAST CANCER, FAMILIAL; Hereditary breast cancer; hereditary breast carcinoma. Identifiers: Orphanet 227535, MedGen C0346153, MONDO:0016419, OMIM 114480. Disease mechanism: loss of function.

Submissions (2):

Ambry Genetics
Classification: Uncertain significance for Hereditary cancer-predisposing syndrome. Last evaluated: 2024-11-25. Review status: criteria provided, single submitter. Criteria: Ambry Variant Classification Scheme 2023. Collection method: clinical testing. Allele origin: germline.
Comment: The p.H143Q variant (also known as c.429C>A), located in coding exon 2 of the CHEK2 gene, results from a C to A substitution at nucleotide position 429. The histidine at codon 143 is replaced by glutamine, an amino acid with highly similar properties. This amino acid position is highly conserved in available vertebrate species. In addition, this alteration is predicted to be deleterious by in silico analysis. Since supporting evidence is limited at this time, the clinical significance of this alteration remains unclear.

Labcorp Genetics (formerly Invitae), Labcorp
Classification: Uncertain significance for Familial cancer of breast. Last evaluated: 2023-07-16. Review status: criteria provided, single submitter. Criteria: Invitae Variant Classification Sherloc (09022015). Collection method: clinical testing. Allele origin: germline.
Comment: In summary, the available evidence is currently insufficient to determine the role of this variant in disease. Therefore, it has been classified as a Variant of Uncertain Significance. An algorithm developed to predict the effect of missense changes on protein structure and function (PolyPhen-2) suggests that this variant is likely to be disruptive. ClinVar contains an entry for this variant (Variation ID: 849587). This variant has not been reported in the literature in individuals affected with CHEK2-related conditions. This variant is not present in population databases (gnomAD no frequency). This sequence change replaces histidine, which is basic and polar, with glutamine, which is neutral and polar, at codon 143 of the CHEK2 protein (p.His143Gln).